The following is an entry in ClinVar:

ClinVar aggregate classification (germline): Uncertain significance (1 of 4 stars; one submission).

Submission:

Labcorp Genetics (formerly Invitae), Labcorp
Classification: Uncertain significance. Last evaluated: 2021-12-02. Review status: criteria provided, single submitter. Criteria: Invitae Variant Classification Sherloc (09022015). Collection method: clinical testing. Allele origin: germline.
Comment: A copy number gain of the genomic region encompassing the full coding sequence of the COX10 gene has been identified. The boundaries of this event are unknown as they extend beyond the assayed region for this gene and therefore may encompass additional genes. As the precise location of this event is unknown, it may be in tandem or it may be located elsewhere in the genome. This variant has not been reported in the literature in individuals affected with COX10-related conditions. In summary, the available evidence is currently insufficient to determine the role of this variant in disease. Therefore, it has been classified as a Variant of Uncertain Significance.

NC_000017.10:g.(?_13972923)_(14110530_?)dup

Gene: COX10 (cytochrome c oxidase assembly factor heme A:farnesyltransferase COX10; plus strand). Cytogenetic location: 17p12.
Variant type: Duplication.
Identifiers: ClinVar variation 1399834 (VCV001399834.3).